The following is an entry in ClinVar:

NM_001903.5(CTNNA1):c.1749C>T (p.Val583=)

Gene: CTNNA1 (catenin alpha 1; plus strand). Cytogenetic location: 5q31.2.
Variant type: single nucleotide variant.
Coding change: c.1749C>T on transcript NM_001903.5 (MANE Select); coding-DNA position 1749, C replaced by T.
Protein change: p.Val583=; no amino-acid change (valine 583 retained).
Molecular consequence: synonymous variant.
Genome position (GRCh38, 1-based): chr5:138,925,257, C>T. VCF-style: chr5-138925257-C-T. GRCh37 (hg19) VCF-style: chr5-138260946-C-T.
Other names: c.1749C>T, p.Val583= (NM_001290307.3, NM_001323982.2, NM_001323983.1 and 2 more transcripts); c.1440C>T, p.Val480= (NM_001290309.3); c.1380C>T, p.Val460= (NM_001290310.3); c.639C>T, p.Val213= (NM_001290312.1, NM_001323987.1, NM_001323988.1 and 17 more transcripts); c.1656C>T, p.Val552= (NM_001323986.2); c.300C>T, p.Val100= (NM_001324006.1, NM_001324007.1, NM_001324008.1 and 2 more transcripts); c.546C>T, p.Val182= (NM_001324011.1); c.396C>T, p.Val132= (NM_001324012.1, NM_001324013.1); and 1 more.
Identifiers: ClinVar variation 700634 (VCV000700634.13), dbSNP rs1203628463, ClinGen allele CA446597318.

ClinVar aggregate classification (germline): Benign/Likely benign. Review status: criteria provided, multiple submitters, no conflicts (2 of 4 stars). 3 submissions from 3 submitters: Benign (1); Likely benign (2). Last evaluated 2025-10-13.

Conditions:
Hereditary diffuse gastric adenocarcinoma (HDGC). Also called: DIFFUSE GASTRIC AND LOBULAR BREAST CANCER SYNDROME. Identifiers: Orphanet 26106, MedGen C1708349, MONDO:0007648, OMIM 137215.
Hereditary cancer-predisposing syndrome. Also called: Tumor predisposition; Hereditary neoplastic syndrome; Hereditary Cancer Syndrome; Neoplastic Syndromes, Hereditary. Identifiers: Orphanet 140162, MedGen C0027672, MeSH D009386, MONDO:0015356.

Allele frequency attached by ClinVar (database versions not stated): gnomAD exomes below 0.00001; TOPMed 0.00001.
gnomAD v4.1: 1 of 1,613,726 alleles (0.000062%); highest among the groups gnomAD compares: African/African-American, 0.0013%; no homozygotes.

Submissions (3):

Labcorp Genetics (formerly Invitae), Labcorp
Classification: Likely benign. Last evaluated: 2025-10-13. Review status: criteria provided, single submitter. Criteria: Invitae Variant Classification Sherloc (09022015). Collection method: clinical testing. Allele origin: germline.

Myriad Genetics, Inc.
Classification: Benign for Hereditary diffuse gastric adenocarcinoma. Last evaluated: 2024-10-14. Review status: criteria provided, single submitter. Criteria: Myriad Autosomal Dominant, Autosomal Recessive and X-Linked Classification Criteria (2023). Collection method: clinical testing. Allele origin: unknown.
Comment: This variant is considered benign. This variant is a silent/synonymous amino acid change and it is not expected to impact splicing.

Ambry Genetics
Classification: Likely benign for Hereditary cancer-predisposing syndrome. Last evaluated: 2022-12-31. Review status: criteria provided, single submitter. Criteria: Ambry Variant Classification Scheme 2023. Collection method: clinical testing. Allele origin: germline.